The following is an entry in ClinVar:

ClinVar aggregate classification (germline): Uncertain significance (1 of 4 stars; one submission).

Submission:

Labcorp Genetics (formerly Invitae), Labcorp
Classification: Uncertain significance. Last evaluated: 2025-11-25. Review status: criteria provided, single submitter. Criteria: Invitae Variant Classification Sherloc (09022015). Collection method: clinical testing. Allele origin: germline.
Comment: This sequence change replaces aspartic acid, which is acidic and polar, with glutamic acid, which is acidic and polar, at codon 47 of the SCARB1 protein (p.Asp47Glu). This variant is present in population databases (no rsID available, gnomAD 0.007%). This variant has not been reported in the literature in individuals affected with SCARB1-related conditions. Invitae Evidence Modeling of protein sequence and biophysical properties (such as structural, functional, and spatial information, amino acid conservation, physicochemical variation, residue mobility, and thermodynamic stability) indicates that this missense variant is not expected to disrupt SCARB1 protein function with a negative predictive value of 80%. In summary, the available evidence is currently insufficient to determine the role of this variant in disease. Therefore, it has been classified as a Variant of Uncertain Significance.

NM_005505.5(SCARB1):c.141C>A (p.Asp47Glu)

Gene: SCARB1 (scavenger receptor class B member 1; minus strand). Cytogenetic location: 12q24.31.
Variant type: single nucleotide variant.
Coding change: c.141C>A on transcript NM_005505.5 (MANE Select); coding-DNA position 141, C replaced by A.
Protein change: p.Asp47Glu; replaces aspartic acid 47 with glutamic acid.
Molecular consequence: missense variant. On other transcripts: non-coding transcript variant (9).
Genome position (GRCh38, 1-based): chr12:124,817,693, G>T on the plus strand (C>A on the coding strand, the complement: SCARB1 is on the minus strand). VCF-style: chr12-124817693-G-T. GRCh37 (hg19) VCF-style: chr12-125302239-G-T.
Other names: c.141C>A, p.Asp47Glu (NM_001082959.2, NM_001367981.1, NM_001367983.1 and 6 more transcripts); c.18C>A, p.Asp6Glu (NM_001367982.1); short protein forms D6E, D47E.
Identifiers: ClinVar variation 4691911 (VCV004691911.1).